The following is an entry in ClinVar:

NM_000540.3(RYR1):c.12820G>A (p.Gly4274Ser)

Gene: RYR1 (ryanodine receptor 1; plus strand). Cytogenetic location: 19q13.2.
Variant type: single nucleotide variant.
Coding change: c.12820G>A on transcript NM_000540.3 (MANE Select); coding-DNA position 12820, G replaced by A.
Protein change: p.Gly4274Ser; replaces glycine 4274 with serine.
Molecular consequence: missense variant.
Genome position (GRCh38, 1-based): chr19:38,565,154, G>A. VCF-style: chr19-38565154-G-A. GRCh37 (hg19) VCF-style: chr19-39055794-G-A.
Other names: c.12805G>A, p.Gly4269Ser (NM_001042723.2); short protein forms G4269S, G4274S.
Identifiers: ClinVar variation 1712674 (VCV001712674.6), dbSNP rs1234872842, ClinGen allele CA405671254.

ClinVar aggregate classification (germline): Uncertain significance. Review status: criteria provided, multiple submitters, no conflicts (2 of 4 stars). 2 submissions from 2 submitters: Uncertain significance (2). Last evaluated 2026-08-19.

Conditions:
Inborn genetic diseases. Identifiers: MedGen C0950123, MeSH D030342.

Allele frequency attached by ClinVar (database versions not stated): gnomAD exomes below 0.00001; TOPMed 0.00001; gnomAD 0.00001.
gnomAD v4.1: 4 of 1,502,078 alleles (0.00027%); highest among the groups gnomAD compares: Middle Eastern, 0.023%; no homozygotes.

Submissions (2):

GeneDx
Classification: Uncertain significance. Last evaluated: 2026-08-19. Review status: criteria provided, single submitter. Criteria: GeneDx Variant Classification Process June 2021. Collection method: clinical testing. Allele origin: germline.
Comment: Not observed at significant frequency in large population cohorts (gnomAD); In silico analysis suggests that this missense variant does not alter protein structure/function; Has not been previously published as pathogenic or benign to our knowledge

Ambry Genetics
Classification: Uncertain significance for Inborn genetic diseases. Last evaluated: 2025-08-25. Review status: criteria provided, single submitter. Criteria: Ambry Variant Classification Scheme 2023. Collection method: clinical testing. Allele origin: germline.